The following is an entry in ClinVar:

ClinVar aggregate classification (germline): Uncertain significance (1 of 4 stars; one submission).

Conditions:
X-linked immunodeficiency with magnesium defect, Epstein-Barr virus infection and neoplasia. Identifiers: Orphanet 317476, MedGen C3275445, MONDO:0010455, OMIM 300853.

Submission:

Labcorp Genetics (formerly Invitae), Labcorp
Classification: Uncertain significance for X-linked immunodeficiency with magnesium defect, Epstein-Barr virus infection and neoplasia. Last evaluated: 2022-08-24. Review status: criteria provided, single submitter. Criteria: Invitae Variant Classification Sherloc (09022015). Collection method: clinical testing. Allele origin: germline.
Comment: In summary, the available evidence is currently insufficient to determine the role of this variant in disease. Therefore, it has been classified as a Variant of Uncertain Significance. Algorithms developed to predict the effect of missense changes on protein structure and function (SIFT, PolyPhen-2, Align-GVGD) all suggest that this variant is likely to be tolerated. This variant has not been reported in the literature in individuals affected with MAGT1-related conditions. This variant is not present in population databases (gnomAD no frequency). This sequence change replaces cysteine, which is neutral and slightly polar, with tyrosine, which is neutral and polar, at codon 9 of the MAGT1 protein (p.Cys9Tyr).

NM_032121.5(MAGT1):c.26G>A (p.Cys9Tyr)

Gene: MAGT1 (magnesium transporter 1; minus strand). Cytogenetic location: Xq21.1.
Variant type: single nucleotide variant.
Coding change: c.26G>A on transcript NM_032121.5; coding-DNA position 26, G replaced by A.
Protein change: p.Cys9Tyr; replaces cysteine 9 with tyrosine.
Molecular consequence: missense variant.
Genome position (GRCh38, 1-based): chrX:77,895,481, C>T on the plus strand (G>A on the coding strand, the complement: MAGT1 is on the minus strand). VCF-style: chrX-77895481-C-T. GRCh37 (hg19) VCF-style: chrX-77150978-C-T.
Other names: short protein forms C9Y.
Identifiers: ClinVar variation 1717780 (VCV001717780.6), dbSNP rs2522051667, ClinGen allele CA413714576.